The following is an entry in ClinVar:

NM_024312.5(GNPTAB):c.2897T>C (p.Met966Thr)

Gene: GNPTAB (N-acetylglucosamine-1-phosphate transferase subunits alpha and beta; minus strand). Cytogenetic location: 12q23.2.
Variant type: single nucleotide variant.
Coding change: c.2897T>C on transcript NM_024312.5 (MANE Select); coding-DNA position 2897, T replaced by C.
Protein change: p.Met966Thr; replaces methionine 966 with threonine.
Molecular consequence: missense variant.
Genome position (GRCh38, 1-based): chr12:101,761,582, A>G on the plus strand (T>C on the coding strand, the complement: GNPTAB is on the minus strand). VCF-style: chr12-101761582-A-G. GRCh37 (hg19) VCF-style: chr12-102155360-A-G.
Other names: short protein forms M966T.
Identifiers: ClinVar variation 1416025 (VCV001416025.5), dbSNP rs760807924, ClinGen allele CA6746325.

ClinVar aggregate classification (germline): Uncertain significance (1 of 4 stars; one submission).

Conditions:
Pseudo-Hurler polydystrophy. Also called: ML III; ML III ALPHA/BETA; MUCOLIPIDOSIS IIIA; Type III Mucolipidosis; ML IIIA; Mucolipidosis III Alpha/Beta. Identifiers: Orphanet 423461, Orphanet 577, MedGen C0033788, MONDO:0018931, OMIM 252600.
Mucolipidosis type II. Also called: ML II ALPHA/BETA; Mucolipidosis 2; ML 2; Inclusion cell disease; Leroy Disease; N-acetylglucosamine 1phosphotransferase deficiency. Identifiers: Orphanet 576, MedGen C2673377, MONDO:0009650, OMIM 252500.

Allele frequency attached by ClinVar (database versions not stated): gnomAD exomes below 0.00001 and 0.00001; TOPMed below 0.00001; ExAC 0.00001; gnomAD 0.00001.
gnomAD v4.1: 8 of 1,614,046 alleles (0.0005%); highest among the groups gnomAD compares: Admixed American, 0.0017%; no homozygotes.

Submission:

Labcorp Genetics (formerly Invitae), Labcorp
Classification: Uncertain significance for Pseudo-Hurler polydystrophy; Mucolipidosis type II. Last evaluated: 2021-09-24. Review status: criteria provided, single submitter. Criteria: Invitae Variant Classification Sherloc (09022015). Collection method: clinical testing. Allele origin: germline.
Comment: This sequence change replaces methionine with threonine at codon 966 of the GNPTAB protein (p.Met966Thr). The methionine residue is highly conserved and there is a moderate physicochemical difference between methionine and threonine. This variant is present in population databases (rs760807924, ExAC 0.001%). This variant has not been reported in the literature in individuals with GNPTAB-related conditions. Algorithms developed to predict the effect of missense changes on protein structure and function (SIFT, PolyPhen-2, Align-GVGD) all suggest that this variant is likely to be disruptive, but these predictions have not been confirmed by published functional studies and their clinical significance is uncertain. In summary, the available evidence is currently insufficient to determine the role of this variant in disease. Therefore, it has been classified as a Variant of Uncertain Significance.